The following is an entry in ClinVar:

ClinVar aggregate classification (germline): Likely benign (1 of 4 stars; one submission).

Allele frequency attached by ClinVar (database versions not stated): gnomAD 0.00001; gnomAD exomes 0.00002; TOPMed 0.00003; ExAC 0.00004.

Submission:

CeGaT Center for Human Genetics Tuebingen
Classification: Likely benign. Last evaluated: 2023-03-01. Review status: criteria provided, single submitter. Criteria: CeGaT Center For Human Genetics Tuebingen Variant Classification Criteria Version 2. Collection method: clinical testing. Allele origin: germline. Affected: yes. Observed: 1 variant allele.
Comment: UNC45B: BP4, BP7

NM_001267052.2(UNC45B):c.2628C>T (p.Ala876=)

Gene: UNC45B (unc-45 myosin chaperone B; plus strand). Cytogenetic location: 17q12.
Variant type: single nucleotide variant.
Coding change: c.2628C>T on transcript NM_001267052.2 (MANE Select); coding-DNA position 2628, C replaced by T.
Protein change: p.Ala876=; no amino-acid change (alanine 876 retained).
Molecular consequence: synonymous variant.
Genome position (GRCh38, 1-based): chr17:35,186,397, C>T. VCF-style: chr17-35186397-C-T. GRCh37 (hg19) VCF-style: chr17-33513416-C-T.
Other names: c.2628C>T, p.Ala876= (NM_001033576.2); c.2391C>T, p.Ala797= (NM_001308281.1); c.2634C>T, p.Ala878= (NM_173167.3).
Identifiers: ClinVar variation 2647664 (VCV002647664.24), dbSNP rs764885974, ClinGen allele CA8501606.